The following is an entry in ClinVar:

ClinVar aggregate classification (germline): Uncertain significance (1 of 4 stars; one submission).

Conditions:
Familial temporal lobe epilepsy 7. Identifiers: Orphanet 101046, MedGen C4225327, MONDO:0014639, OMIM 616436.

Submission:

New York Genome Center
Classification: Uncertain significance for Familial temporal lobe epilepsy 7. Last evaluated: 2020-04-20. Review status: criteria provided, single submitter. Criteria: NYGC Assertion Criteria 2020. Collection method: clinical testing. Allele origin: paternal. Inheritance: Autosomal dominant inheritance. Observed: 1 heterozygote. Study: CSER-NYCKidSeq. Segregation with disease not observed.
Comment: The inherited c.8063A>T (p.Asp2688Val) variant identified in the RELN gene substitutes a very well conserved Aspartic Acid to Valine at amino acid 2688/3461 (coding exon 50/65). This variant is absent from gnomAD suggesting it is not a common benign variant in the populations represented in this database. In silico algorithms predict this variant to be Neutral (SIFT; score: 0.053) and Tolerated (Provean; score: -1.71) to the function of the canonical transcript. This variant is absent from ClinVar and to our current knowledge has not been reported in affected individuals in the literature. The p.Asp2688 residue is not within a mapped domain of RELN (UniProtKB; P78509). Given the lack of compelling evidence for its pathogenicity, the inherited c.8063A>T (p.Asp2688Val) variant identified in the RELN gene is reported here as a Variant of Uncertain Significance.

NM_005045.4(RELN):c.8063A>T (p.Asp2688Val)

Gene: RELN (reelin; minus strand). Cytogenetic location: 7q22.1.
Variant type: single nucleotide variant.
Coding change: c.8063A>T on transcript NM_005045.4 (MANE Select); coding-DNA position 8063, A replaced by T.
Protein change: p.Asp2688Val; replaces aspartic acid 2688 with valine.
Molecular consequence: missense variant.
Genome position (GRCh38, 1-based): chr7:103,515,241, T>A on the plus strand (A>T on the coding strand, the complement: RELN is on the minus strand). VCF-style: chr7-103515241-T-A. GRCh37 (hg19) VCF-style: chr7-103155688-T-A.
Other names: c.8063A>T, p.Asp2688Val (NM_173054.3); short protein forms D2688V.
Identifiers: ClinVar variation 996960 (VCV000996960.1), dbSNP rs1829532646, ClinGen allele CA368762791.